The following is an entry in ClinVar:

NM_000426.4(LAMA2):c.8547+2T>C

Gene: LAMA2 (laminin subunit alpha 2; plus strand). Cytogenetic location: 6q22.33.
Variant type: single nucleotide variant.
Coding change: c.8547+2T>C on transcript NM_000426.4 (MANE Select); the canonical splice donor site of the intron after coding-DNA position 8547, T replaced by C.
Molecular consequence: splice donor variant.
Genome position (GRCh38, 1-based): chr6:129,503,282, T>C. VCF-style: chr6-129503282-T-C. GRCh37 (hg19) VCF-style: chr6-129824427-T-C.
Other names: c.8535+2T>C (NM_001079823.2).
Identifiers: ClinVar variation 577958 (VCV000577958.9), dbSNP rs1450790879, ClinGen allele CA365634514.

ClinVar aggregate classification (germline): Pathogenic (1 of 4 stars; one submission).

Conditions:
LAMA2-related muscular dystrophy (LAMA2-RD). Also called: Laminin alpha 2-related dystrophy. Identifiers: MedGen C5679788, MONDO:0100228.

Allele frequency attached by ClinVar (database versions not stated): TOPMed below 0.00001; gnomAD 0.00001.
gnomAD v4.1: 1 of 1,612,364 alleles (0.000062%); highest among the groups gnomAD compares: African/African-American, 0.0013%; no homozygotes.

Submission:

Labcorp Genetics (formerly Invitae), Labcorp
Classification: Pathogenic for LAMA2-related muscular dystrophy. Last evaluated: 2025-09-15. Review status: criteria provided, single submitter. Criteria: Invitae Variant Classification Sherloc (09022015). Collection method: clinical testing. Allele origin: germline.
Comment: This sequence change affects a donor splice site in intron 60 of the LAMA2 gene. It is expected to disrupt RNA splicing. Variants that disrupt the donor or acceptor splice site typically lead to a loss of protein function (PMID: 16199547), and loss-of-function variants in LAMA2 are known to be pathogenic (PMID: 18700894, 32904964). This variant is not present in population databases (gnomAD no frequency). Disruption of this splice site has been observed in individual(s) with clinical features of congenital muscular dystrophy (internal data). In at least one individual the data is consistent with being in trans (on the opposite chromosome) from a pathogenic variant. ClinVar contains an entry for this variant (Variation ID: 577958). Algorithms developed to predict the effect of sequence changes on RNA splicing suggest that this variant may disrupt the consensus splice site. For these reasons, this variant has been classified as Pathogenic.

Literature cited by the submitters: PubMed 16199547; PubMed 18700894; PubMed 32904964.